The following is an entry in ClinVar:

ClinVar aggregate classification (germline): Uncertain significance (1 of 4 stars; one submission).

Conditions:
Hereditary cancer-predisposing syndrome. Also called: Hereditary neoplastic syndrome; Neoplastic Syndromes, Hereditary; Tumor predisposition; Hereditary Cancer Syndrome. Identifiers: Orphanet 140162, MedGen C0027672, MeSH D009386, MONDO:0015356.

Submission:

Ambry Genetics
Classification: Uncertain significance for Hereditary cancer-predisposing syndrome. Last evaluated: 2025-02-27. Review status: criteria provided, single submitter. Criteria: Ambry Variant Classification Scheme 2023. Collection method: clinical testing. Allele origin: germline.
Comment: The p.H1002Q variant (also known as c.3006C>G), located in coding exon 18 of the ALK gene, results from a C to G substitution at nucleotide position 3006. The histidine at codon 1002 is replaced by glutamine, an amino acid with highly similar properties. This amino acid position is conserved. In addition, this alteration is predicted to be tolerated by in silico analysis. Based on the available evidence, the clinical significance of this variant remains unclear.

NM_004304.5(ALK):c.3006C>G (p.His1002Gln)

Gene: ALK (ALK receptor tyrosine kinase; minus strand). Cytogenetic location: 2p23.2.
Variant type: single nucleotide variant.
Coding change: c.3006C>G on transcript NM_004304.5 (MANE Select); coding-DNA position 3006, C replaced by G.
Protein change: p.His1002Gln; replaces histidine 1002 with glutamine.
Molecular consequence: missense variant.
Genome position (GRCh38, 1-based): chr2:29,226,983, G>C on the plus strand (C>G on the coding strand, the complement: ALK is on the minus strand). VCF-style: chr2-29226983-G-C. GRCh37 (hg19) VCF-style: chr2-29449849-G-C.
Other names: short protein forms H1002Q.
Identifiers: ClinVar variation 3855945 (VCV003855945.1).